The following is an entry in ClinVar:

NM_006912.6(RIT1):c.235C>G (p.Gln79Glu)

Gene: RIT1 (Ras like without CAAX 1; minus strand). Cytogenetic location: 1q22.
Variant type: single nucleotide variant.
Coding change: c.235C>G on transcript NM_006912.6 (MANE Select); coding-DNA position 235, C replaced by G.
Protein change: p.Gln79Glu; replaces glutamine 79 with glutamic acid.
Molecular consequence: missense variant.
Genome position (GRCh38, 1-based): chr1:155,904,733, G>C on the plus strand (C>G on the coding strand, the complement: RIT1 is on the minus strand). VCF-style: chr1-155904733-G-C. GRCh37 (hg19) VCF-style: chr1-155874524-G-C.
Other names: c.127C>G, p.Gln43Glu (NM_001256820.2); c.286C>G, p.Gln96Glu (NM_001256821.2); short protein forms Q43E, Q79E, Q96E.
Identifiers: ClinVar variation 981604 (VCV000981604.12), dbSNP rs1673398956, ClinGen allele CA342803087.

ClinVar aggregate classification (germline): Conflicting classifications of pathogenicity. Review status: criteria provided, conflicting classifications (1 of 4 stars). 5 submissions from 5 submitters: Likely pathogenic (3); Uncertain significance (1). 1 of the submissions does not count toward it. Last evaluated 2023-07-13.

Conditions:
Noonan syndrome (NS). Also called: Noonan's syndrome. Identifiers: Orphanet 648, MedGen C0028326, MeSH D009634, MONDO:0018997. Disease mechanism: gain of function.
Noonan syndrome 8 (NS8). Identifiers: Orphanet 648, MedGen C3809233, MONDO:0014143, OMIM 615355.

Allele frequency attached by ClinVar (database versions not stated): gnomAD exomes below 0.00001; TOPMed below 0.00001.
gnomAD v4.1: 1 of 1,607,406 alleles (0.000062%); highest among the groups gnomAD compares: Non-Finnish European, 0.000085%; no homozygotes.

Submissions (5):

GeneDx
Classification: Likely pathogenic. Last evaluated: 2023-07-13. Review status: criteria provided, single submitter. Criteria: GeneDx Variant Classification Process June 2021. Collection method: clinical testing. Allele origin: germline. Affected: yes.
Comment: Not observed at significant frequency in large population cohorts (gnomAD); In silico analysis supports that this missense variant has a deleterious effect on protein structure/function; This variant is associated with the following publications: (PMID: 27226556, 35904599)

Labcorp Genetics (formerly Invitae), Labcorp
Classification: Likely pathogenic for Noonan syndrome 8. Last evaluated: 2023-07-13. Review status: criteria provided, single submitter. Criteria: Invitae Variant Classification Sherloc (09022015). Collection method: clinical testing. Allele origin: germline.
Comment: In summary, the currently available evidence indicates that the variant is pathogenic, but additional data are needed to prove that conclusively. Therefore, this variant has been classified as Likely Pathogenic. An algorithm developed to predict the effect of missense changes on protein structure and function (PolyPhen-2) suggests that this variant is likely to be disruptive. ClinVar contains an entry for this variant (Variation ID: 981604). This missense change has been observed in individual(s) with clinical features of Noonan syndrome (Invitae). In at least one individual the variant was observed to be de novo. This variant is not present in population databases (gnomAD no frequency). This sequence change replaces glutamine, which is neutral and polar, with glutamic acid, which is acidic and polar, at codon 79 of the RIT1 protein (p.Gln79Glu).

Genome-Nilou Lab
Classification: Likely pathogenic for Noonan syndrome 8. Last evaluated: 2023-04-11. Review status: criteria provided, single submitter. Criteria: ACMG Guidelines, 2015. Collection method: clinical testing. Allele origin: germline. Affected: no.

Blueprint Genetics
Classification: Uncertain significance. Last evaluated: 2021-07-16. Review status: criteria provided, single submitter. Criteria: ACMG Guidelines, 2015. Collection method: clinical testing. Allele origin: germline.

Service de Génétique Moléculaire, Hôpital Robert Debré
Classification: Uncertain significance for Noonan syndrome. Review status: no assertion criteria provided. Collection method: clinical testing. Allele origin: unknown. Affected: yes. Not counted in ClinVar's aggregate classification.